The following is an entry in ClinVar:

NM_000169.3(GLA):c.195-9C>A

Genes: GLA (galactosidase alpha; minus strand), RPL36A-HNRNPH2 (RPL36A-HNRNPH2 readthrough; plus strand). Cytogenetic location: Xq22.1.
Variant type: single nucleotide variant.
Coding change: c.195-9C>A on transcript NM_000169.3 (MANE Select); 9 bases into the intron before coding-DNA position 195, C replaced by A.
Molecular consequence: intron variant.
Genome position (GRCh38, 1-based): chrX:101,403,994, G>T on the plus strand (C>A on the coding strand, the complement: GLA is on the minus strand). VCF-style: chrX-101403994-G-T. GRCh37 (hg19) VCF-style: chrX-100658982-G-T.
Other names: c.301-7942G>T (NM_001199973.2); c.178-7942G>T (NM_001199974.2); c.318-9C>A (NM_001406747.1, NM_001406749.1); c.195-9C>A (NM_001406748.1).
Identifiers: ClinVar variation 593721 (VCV000593721.7), dbSNP rs1569304947, ClinGen allele CA913190391.

ClinVar aggregate classification (germline): Uncertain significance. Review status: criteria provided, multiple submitters, no conflicts (2 of 4 stars). 2 submissions from 2 submitters: Uncertain significance (2). Last evaluated 2026-09-08.

Conditions:
Fabry disease. Also called: Fabry's disease; Angiokeratoma corporis diffusum; ALPHA-GALACTOSIDASE A DEFICIENCY; ANDERSON-FABRY DISEASE; CERAMIDE TRIHEXOSIDASE DEFICIENCY; GLA DEFICIENCY. Identifiers: Orphanet 324, MedGen C0002986, MONDO:0010526, OMIM 301500, HP:0001071. Disease mechanism: loss of function, Fabry disease is due to inactivating mutations in the X-linked GLA gene resulting in deficiency of the enzyme Alpha Galactosidase-A..

Submissions (2):

Genomenon, Inc
Classification: Uncertain significance for Fabry disease. Last evaluated: 2026-09-08. Review status: criteria provided, single submitter. Criteria: Genomenon Sequence Variant Interpretation Standards - Updated. Collection method: curation. Allele origin: germline. Affected: no.
Comment: GLA c.195-9C>A is an intronic variant located in the acceptor splice region of intron 1. This variant has been reported in the published literature (PMID:39336803). It is absent or not present at a significant frequency in gnomAD. In silico models predict that this variant is not damaging. In conclusion, we classify GLA c.195-9C>A as a variant of uncertain significance.

Eurofins Ntd Llc (ga)
Classification: Uncertain significance. Last evaluated: 2017-08-24. Review status: criteria provided, single submitter. Criteria: EGL Classification Definitions 2015. Collection method: clinical testing. Allele origin: germline. Observed: 4 variant alleles, 4 heterozygotes.

Literature cited by the submitters: PubMed 39336803 (cited by Genomenon, Inc).